The following is an entry in ClinVar:

NM_021930.6(RINT1):c.2187T>C (p.His729=)

Genes: EFCAB10 (EF-hand calcium binding domain 10; minus strand), RINT1 (RAD50 interactor 1; plus strand). Cytogenetic location: 7q22.3.
Variant type: single nucleotide variant.
Coding change: c.2187T>C on transcript NM_021930.6 (MANE Select); coding-DNA position 2187, T replaced by C.
Protein change: p.His729=; no amino-acid change (histidine 729 retained).
Molecular consequence: synonymous variant. On other transcripts: 3 prime UTR variant (2), non-coding transcript variant (1), intron variant (3).
Genome position (GRCh38, 1-based): chr7:105,567,119, T>C. VCF-style: chr7-105567119-T-C. GRCh37 (hg19) VCF-style: chr7-105207566-T-C.
Other names: c.*335A>G (NM_001355527.2, NM_001355529.2); c.1953T>C, p.His651= (NM_001346599.2); c.1164T>C, p.His388= (NM_001346600.2, NM_001346603.2); c.1263T>C, p.His421= (NM_001346601.2); c.360-1672A>G (NM_001355531.2); c.383+348A>G (NM_001355526.2, NM_001355530.2).
Identifiers: ClinVar variation 850454 (VCV000850454.10), dbSNP rs928088575, ClinGen allele CA164069017.

ClinVar aggregate classification (germline): Conflicting classifications of pathogenicity. Review status: criteria provided, conflicting classifications (1 of 4 stars). 2 submissions from 2 submitters: Uncertain significance (1); Likely benign (1). Last evaluated 2025-08-22.

Allele frequency attached by ClinVar (database versions not stated): gnomAD exomes below 0.00001 and 0.00004; gnomAD 0.00001; TOPMed 0.00001.
gnomAD v4.1: 62 of 1,550,674 alleles (0.004%); highest among the groups gnomAD compares: East Asian, 0.14%; 1 homozygote.

Submissions (2):

Labcorp Genetics (formerly Invitae), Labcorp
Classification: Uncertain significance. Last evaluated: 2025-08-22. Review status: criteria provided, single submitter. Criteria: Invitae Variant Classification Sherloc (09022015). Collection method: clinical testing. Allele origin: germline.
Comment: This sequence change affects codon 729 of the RINT1 mRNA. It is a 'silent' change, meaning that it does not change the encoded amino acid sequence of the RINT1 protein. It affects a nucleotide within the consensus splice site. The frequency data for this variant in the population databases is considered unreliable, as metrics indicate poor data quality at this position in the gnomAD database. This variant has not been reported in the literature in individuals affected with RINT1-related conditions. ClinVar contains an entry for this variant (Variation ID: 850454). Algorithms developed to predict the effect of sequence changes on RNA splicing suggest that this variant is not likely to affect RNA splicing. In summary, the available evidence is currently insufficient to determine the role of this variant in disease. Therefore, it has been classified as a Variant of Uncertain Significance.

Ambry Genetics
Classification: Likely benign. Last evaluated: 2022-08-29. Review status: criteria provided, single submitter. Criteria: Ambry Variant Classification Scheme 2023. Collection method: clinical testing. Allele origin: germline.